The following is an entry in ClinVar:

NM_002890.3(RASA1):c.1989_1992del (p.Lys664fs)

Genes: CCNH (cyclin H; minus strand), RASA1 (RAS p21 protein activator 1; plus strand). Cytogenetic location: 5q14.3.
Variant type: Deletion.
Coding change: c.1989_1992del on transcript NM_002890.3 (MANE Select); coding-DNA positions 1989 to 1992, 4 bases deleted (GAAA; older notation c.1989_1992delGAAA).
Protein change: p.Lys664fs; shifts the reading frame from lysine 664.
Molecular consequence: frameshift variant. On other transcripts: intron variant (1).
Genome position (GRCh38, 1-based): chr5:87,374,894-87,374,897, GAAA deleted; deleting any 4 consecutive bases within chr5:87,374,891-87,374,897 gives the same sequence; the c. name uses the placement nearest the transcript's 3' end. VCF-style (leftmost placement, unchanged base first): chr5-87374890-CAAAG-C. GRCh37 (hg19) VCF-style: chr5-86670707-CAAAG-C.
Other names: c.1458_1461del, p.Lys487fs (NM_022650.3); c.933+20150_933+20153del (NM_001364075.2); short protein forms K487fs, K664fs.
Identifiers: ClinVar variation 3899454 (VCV003899454.2).

ClinVar aggregate classification (germline): Pathogenic (1 of 4 stars; one submission).

Submission:

GeneDx
Classification: Pathogenic. Last evaluated: 2025-06-27. Review status: criteria provided, single submitter. Criteria: GeneDx Variant Classification Process June 2021. Collection method: clinical testing. Allele origin: germline.
Comment: Frameshift variant predicted to result in protein truncation or nonsense mediated decay in a gene for which loss of function is a known mechanism of disease; Not observed at significant frequency in large population cohorts (gnomAD); This variant is associated with the following publications: (PMID: 30819650, 24038909)